The following is an entry in ClinVar:

NM_053025.4(MYLK):c.5138G>A (p.Cys1713Tyr)

Genes: MYLK (myosin light chain kinase; minus strand), MYLK-AS1 (MYLK antisense RNA 1; plus strand). Cytogenetic location: 3q21.1.
Variant type: single nucleotide variant.
Coding change: c.5138G>A on transcript NM_053025.4 (MANE Select); coding-DNA position 5138, G replaced by A.
Protein change: p.Cys1713Tyr; replaces cysteine 1713 with tyrosine.
Molecular consequence: missense variant.
Genome position (GRCh38, 1-based): chr3:123,626,918, C>T on the plus strand (G>A on the coding strand, the complement: MYLK is on the minus strand). VCF-style: chr3-123626918-C-T. GRCh37 (hg19) VCF-style: chr3-123345765-C-T.
Other names: c.4610G>A, p.Cys1537Tyr (NM_001321309.2); c.4931G>A, p.Cys1644Tyr (NM_053026.4); c.4985G>A, p.Cys1662Tyr (NM_053027.4); c.4778G>A, p.Cys1593Tyr (NM_053028.4); short protein forms C1537Y, C1644Y, C1662Y, C1713Y, C1593Y.
Identifiers: ClinVar variation 1745581 (VCV001745581.3), dbSNP rs2473007985, ClinGen allele CA354233028.

ClinVar aggregate classification (germline): Uncertain significance. Review status: criteria provided, multiple submitters, no conflicts (2 of 4 stars). 2 submissions from 2 submitters: Uncertain significance (2). Last evaluated 2025-03-12.

Conditions:
Aortic aneurysm, familial thoracic 7 (AAT7). Also called: AORTIC DISSECTION, FAMILIAL, WITH OR WITHOUT AORTIC ANEURYSM. Identifiers: MedGen C3151077, MONDO:0013418, OMIM 613780.
Familial thoracic aortic aneurysm and aortic dissection (TAAD). Also called: Thoracic aortic aneurysms and dissections. Identifiers: Orphanet 91387, MedGen C4707243, MONDO:0019625.

Submissions (2):

Labcorp Genetics (formerly Invitae), Labcorp
Classification: Uncertain significance for Aortic aneurysm, familial thoracic 7. Last evaluated: 2025-03-12. Review status: criteria provided, single submitter. Criteria: Invitae Variant Classification Sherloc (09022015). Collection method: clinical testing. Allele origin: germline.
Comment: This sequence change replaces cysteine, which is neutral and slightly polar, with tyrosine, which is neutral and polar, at codon 1713 of the MYLK protein (p.Cys1713Tyr). This variant is not present in population databases (gnomAD no frequency). This variant has not been reported in the literature in individuals affected with MYLK-related conditions. ClinVar contains an entry for this variant (Variation ID: 1745581). Invitae Evidence Modeling of protein sequence and biophysical properties (such as structural, functional, and spatial information, amino acid conservation, physicochemical variation, residue mobility, and thermodynamic stability) indicates that this missense variant is not expected to disrupt MYLK protein function with a negative predictive value of 80%. In summary, the available evidence is currently insufficient to determine the role of this variant in disease. Therefore, it has been classified as a Variant of Uncertain Significance.

Ambry Genetics
Classification: Uncertain significance for Familial thoracic aortic aneurysm and aortic dissection. Last evaluated: 2021-02-17. Review status: criteria provided, single submitter. Criteria: Ambry Variant Classification Scheme 2023. Collection method: clinical testing. Allele origin: germline.
Comment: The p.C1713Y variant (also known as c.5138G>A), located in coding exon 28 of the MYLK gene, results from a G to A substitution at nucleotide position 5138. The cysteine at codon 1713 is replaced by tyrosine, an amino acid with highly dissimilar properties. This amino acid position is highly conserved in available vertebrate species. In addition, this alteration is predicted to be deleterious by in silico analysis. Since supporting evidence is limited at this time, the clinical significance of this alteration remains unclear.